The following is an entry in ClinVar:

NM_000051.4(ATM):c.8773G>A (p.Gly2925Ser)

Genes: ATM (ATM serine/threonine kinase; plus strand), C11orf65 (chromosome 11 open reading frame 65; minus strand). Cytogenetic location: 11q22.3.
Variant type: single nucleotide variant.
Coding change: c.8773G>A on transcript NM_000051.4 (MANE Select); coding-DNA position 8773, G replaced by A.
Protein change: p.Gly2925Ser; replaces glycine 2925 with serine.
Molecular consequence: missense variant. On other transcripts: intron variant (2).
Genome position (GRCh38, 1-based): chr11:108,353,867, G>A. VCF-style: chr11-108353867-G-A. GRCh37 (hg19) VCF-style: chr11-108224594-G-A.
Other names: c.8773G>A, p.Gly2925Ser (NM_001351834.2); c.640+32053C>T (NM_001330368.2); c.695-18575C>T (NM_001351110.2); short protein forms G2925S.
Identifiers: ClinVar variation 230350 (VCV000230350.16), dbSNP rs876658519, ClinGen allele CA10579318.
Genomic context (GRCh38, chr11:108,353,867, plus strand): 5'-ACAGTTCCTTTTAGACTCACCAGAGATATTGTGGATGGCATGGGCATTACGGGTGTTGAA[G>A]GTGTCTTCAGAAGGTAAGTGATATGAAGTAAAGGAGGGAAATAATTTTTGATGTCAAAAT-3'
Protein context (NP_000042.3, residues 2915-2935): VDGMGITGVE[Gly2925Ser]VFRRCCEKTM

ClinVar aggregate classification (germline): Uncertain significance. Review status: criteria provided, multiple submitters, no conflicts (2 of 4 stars). 2 submissions from 2 submitters: Uncertain significance (2). Last evaluated 2024-11-02.

Conditions:
Hereditary cancer-predisposing syndrome. Also called: Neoplastic Syndromes, Hereditary; Hereditary neoplastic syndrome; Tumor predisposition; Hereditary Cancer Syndrome. Identifiers: Orphanet 140162, MedGen C0027672, MeSH D009386, MONDO:0015356.
Ataxia-telangiectasia syndrome (AT). Also called: Ataxia telangiectasia (A-T); Cerebello-oculocutaneous telangiectasia; Immunodeficiency with ataxia telangiectasia; LOUIS-BAR SYNDROME; AT, COMPLEMENTATION GROUP C; ATAXIA-TELANGIECTASIA, FRESNO VARIANT. Identifiers: Orphanet 100, MedGen C0004135, MONDO:0008840, OMIM 208900.

Allele frequency attached by ClinVar (database versions not stated): gnomAD exomes below 0.00001.
gnomAD v4.1: 2 of 1,612,782 alleles (0.00012%); highest among the groups gnomAD compares: Non-Finnish European, 0.00017%; no homozygotes.

Submissions (2):

Labcorp Genetics (formerly Invitae), Labcorp
Classification: Uncertain significance for Ataxia-telangiectasia syndrome. Last evaluated: 2024-11-02. Review status: criteria provided, single submitter. Criteria: Invitae Variant Classification Sherloc (09022015). Collection method: clinical testing. Allele origin: germline.
Comment: This sequence change replaces glycine, which is neutral and non-polar, with serine, which is neutral and polar, at codon 2925 of the ATM protein (p.Gly2925Ser). This variant is not present in population databases (gnomAD no frequency). This variant has not been reported in the literature in individuals affected with ATM-related conditions. ClinVar contains an entry for this variant (Variation ID: 230350). Invitae Evidence Modeling of protein sequence and biophysical properties (such as structural, functional, and spatial information, amino acid conservation, physicochemical variation, residue mobility, and thermodynamic stability) indicates that this missense variant is expected to disrupt ATM protein function with a positive predictive value of 95%. In summary, the available evidence is currently insufficient to determine the role of this variant in disease. Therefore, it has been classified as a Variant of Uncertain Significance.

Ambry Genetics
Classification: Uncertain significance for Hereditary cancer-predisposing syndrome. Last evaluated: 2023-10-05. Review status: criteria provided, single submitter. Criteria: Ambry Variant Classification Scheme 2023. Collection method: clinical testing. Allele origin: germline.
Comment: The p.G2925S variant (also known as c.8773G>A), located in coding exon 59 of the ATM gene, results from a G to A substitution at nucleotide position 8773. The glycine at codon 2925 is replaced by serine, an amino acid with similar properties. In a meta-analysis of numerous studies assessing the contribution of ATM variants to breast cancer risk, this alteration was detected in 0/4112 cases and in 1/2399 controls (Tavtigian SV, Am. J. Hum. Genet. 2009 Oct; 85(4):427-46). This alteration was also reported in a study of 1297 cases of early-onset breast cancer and 1121 controls (Young EL et al. J. Med. Genet., 2016 06;53:366-76). This amino acid position is highly conserved in available vertebrate species. In addition, this alteration is predicted to be deleterious by in silico analysis. Since supporting evidence is limited at this time, the clinical significance of this alteration remains unclear.

Literature cited by the submitters: PubMed 19781682 (cited by Ambry Genetics); PubMed 21787400 (cited by Ambry Genetics); PubMed 26787654 (cited by Ambry Genetics).